The following is an entry in ClinVar:

NM_016507.4(CDK12):c.427A>C (p.Met143Leu)

Genes: CDK12 (cyclin dependent kinase 12; plus strand), LOC126862553 (CDK7 strongly-dependent group 2 enhancer GRCh37_chr17:37618166-37619365; plus strand). Cytogenetic location: 17q12.
Variant type: single nucleotide variant.
Coding change: c.427A>C on transcript NM_016507.4 (MANE Select); coding-DNA position 427, A replaced by C.
Protein change: p.Met143Leu; replaces methionine 143 with leucine.
Molecular consequence: missense variant.
Genome position (GRCh38, 1-based): chr17:39,462,498, A>C. VCF-style: chr17-39462498-A-C. GRCh37 (hg19) VCF-style: chr17-37618751-A-C.
Other names: c.427A>C, p.Met143Leu (NM_015083.4); short protein forms M143L.
Identifiers: ClinVar variation 4841684 (VCV004841684.1).

ClinVar aggregate classification (germline): Uncertain significance (1 of 4 stars; one submission).

Submission:

Ambry Genetics
Classification: Uncertain significance. Last evaluated: 2025-12-22. Review status: criteria provided, single submitter. Criteria: Ambry Variant Classification Scheme 2023. Collection method: clinical testing. Allele origin: germline.
Comment: The p.M143L variant (also known as c.427A>C), located in coding exon 1 of the CDK12 gene, results from an A to C substitution at nucleotide position 427. The methionine at codon 143 is replaced by leucine, an amino acid with highly similar properties. This amino acid position is conserved. In addition, this alteration is predicted to be tolerated by in silico analysis. Based on the available evidence, the clinical significance of this variant remains unclear.